The following is an entry in ClinVar:

NM_001903.5(CTNNA1):c.58A>G (p.Ile20Val)

Gene: CTNNA1 (catenin alpha 1; plus strand). Cytogenetic location: 5q31.2.
Variant type: single nucleotide variant.
Coding change: c.58A>G on transcript NM_001903.5 (MANE Select); coding-DNA position 58, A replaced by G.
Protein change: p.Ile20Val; replaces isoleucine 20 with valine.
Molecular consequence: missense variant. On other transcripts: 5 prime UTR variant (2).
Genome position (GRCh38, 1-based): chr5:138,781,982, A>G. VCF-style: chr5-138781982-A-G. GRCh37 (hg19) VCF-style: chr5-138117671-A-G.
Other names: c.58A>G, p.Ile20Val (NM_001290307.3, NM_001323982.2, NM_001323983.1 and 3 more transcripts); c.-56A>G (NM_001290309.3); c.-149A>G (NM_001290310.3); c.58A>G (NM_001903.2); short protein forms I20V.
Identifiers: ClinVar variation 2070742 (VCV002070742.7), dbSNP rs1561520304, ClinGen allele CA361477146.

ClinVar aggregate classification (germline): Uncertain significance. Review status: criteria provided, multiple submitters, no conflicts (2 of 4 stars). 2 submissions from 2 submitters: Uncertain significance (2). Last evaluated 2024-12-12.

Conditions:
Hereditary cancer-predisposing syndrome. Also called: Neoplastic Syndromes, Hereditary; Hereditary Cancer Syndrome; Tumor predisposition; Hereditary neoplastic syndrome. Identifiers: Orphanet 140162, MedGen C0027672, MeSH D009386, MONDO:0015356.

Submissions (2):

Ambry Genetics
Classification: Uncertain significance for Hereditary cancer-predisposing syndrome. Last evaluated: 2024-12-12. Review status: criteria provided, single submitter. Criteria: Ambry Variant Classification Scheme 2023. Collection method: clinical testing. Allele origin: germline.
Comment: The p.I20V variant (also known as c.58A>G), located in coding exon 1 of the CTNNA1 gene, results from an A to G substitution at nucleotide position 58. The isoleucine at codon 20 is replaced by valine, an amino acid with highly similar properties. This amino acid position is highly conserved in available vertebrate species. In addition, the in silico prediction for this alteration is inconclusive. The evidence for this gene-disease relationship is limited; therefore, the clinical significance of this alteration is unclear.

Labcorp Genetics (formerly Invitae), Labcorp
Classification: Uncertain significance. Last evaluated: 2023-12-01. Review status: criteria provided, single submitter. Criteria: Invitae Variant Classification Sherloc (09022015). Collection method: clinical testing. Allele origin: germline.
Comment: This sequence change replaces isoleucine, which is neutral and non-polar, with valine, which is neutral and non-polar, at codon 20 of the CTNNA1 protein (p.Ile20Val). This variant is not present in population databases (gnomAD no frequency). This variant has not been reported in the literature in individuals affected with CTNNA1-related conditions. ClinVar contains an entry for this variant (Variation ID: 2070742). Advanced modeling of protein sequence and biophysical properties (such as structural, functional, and spatial information, amino acid conservation, physicochemical variation, residue mobility, and thermodynamic stability) performed at Invitae indicates that this missense variant is not expected to disrupt CTNNA1 protein function with a negative predictive value of 80%. In summary, the available evidence is currently insufficient to determine the role of this variant in disease. Therefore, it has been classified as a Variant of Uncertain Significance.